The following is an entry in ClinVar:

NM_030662.4(MAP2K2):c.919+1G>A

Gene: MAP2K2 (mitogen-activated protein kinase kinase 2; minus strand). Cytogenetic location: 19p13.3.
Variant type: single nucleotide variant.
Coding change: c.919+1G>A on transcript NM_030662.4 (MANE Select); the canonical splice donor site of the intron after coding-DNA position 919, G replaced by A.
Molecular consequence: splice donor variant.
Genome position (GRCh38, 1-based): chr19:4,099,200, C>T on the plus strand (G>A on the coding strand, the complement: MAP2K2 is on the minus strand). VCF-style: chr19-4099200-C-T. GRCh37 (hg19) VCF-style: chr19-4099198-C-T.
Identifiers: ClinVar variation 3680444 (VCV003680444.2).

ClinVar aggregate classification (germline): Uncertain significance (1 of 4 stars; one submission).

Conditions:
RASopathy. Also called: rasopathies; Noonan spectrum disorder. Identifiers: Orphanet 536391, MedGen C5555857, MONDO:0021060.

Submission:

Labcorp Genetics (formerly Invitae), Labcorp
Classification: Uncertain significance for RASopathy. Last evaluated: 2024-11-12. Review status: criteria provided, single submitter. Criteria: Invitae Variant Classification Sherloc (09022015). Collection method: clinical testing. Allele origin: germline.
Comment: This sequence change affects a donor splice site in intron 7 of the MAP2K2 gene. It is expected to disrupt RNA splicing. Variants that disrupt the donor or acceptor splice site typically lead to a loss of protein function (PMID: 16199547), however the current clinical and genetic evidence is not sufficient to establish whether loss-of-function variants in MAP2K2 cause disease. This variant is not present in population databases (gnomAD no frequency). This variant has not been reported in the literature in individuals affected with MAP2K2-related conditions. Algorithms developed to predict the effect of sequence changes on RNA splicing suggest that this variant may disrupt the consensus splice site. In summary, the available evidence is currently insufficient to determine the role of this variant in disease. Therefore, it has been classified as a Variant of Uncertain Significance.

Literature cited by the submitters: PubMed 16199547.